The following is an entry in ClinVar:

ClinVar aggregate classification (germline): Uncertain significance (1 of 4 stars; one submission).

Submission:

GeneDx
Classification: Uncertain significance. Last evaluated: 2024-05-28. Review status: criteria provided, single submitter. Criteria: GeneDx Variant Classification Process June 2021. Collection method: clinical testing. Allele origin: germline. Affected: yes.
Comment: Not observed at significant frequency in large population cohorts (gnomAD); In silico analysis indicates that this missense variant does not alter protein structure/function; Has not been previously published as pathogenic or benign to our knowledge

NM_006593.4(TBR1):c.262G>A (p.Asp88Asn)

Gene: TBR1 (T-box brain transcription factor 1; plus strand). Cytogenetic location: 2q24.2.
Variant type: single nucleotide variant.
Coding change: c.262G>A on transcript NM_006593.4 (MANE Select); coding-DNA position 262, G replaced by A.
Protein change: p.Asp88Asn; replaces aspartic acid 88 with asparagine.
Molecular consequence: missense variant.
Genome position (GRCh38, 1-based): chr2:161,416,672, G>A. VCF-style: chr2-161416672-G-A. GRCh37 (hg19) VCF-style: chr2-162273183-G-A.
Other names: short protein forms D88N.
Identifiers: ClinVar variation 3383700 (VCV003383700.1).